The following is an entry in ClinVar:

NM_032043.3(BRIP1):c.1629-2A>G

Gene: BRIP1 (BRCA1 interacting DNA helicase 1; minus strand). Cytogenetic location: 17q23.2.
Variant type: single nucleotide variant.
Coding change: c.1629-2A>G on transcript NM_032043.3 (MANE Select); the canonical splice acceptor site of the intron before coding-DNA position 1629, A replaced by G.
Molecular consequence: splice acceptor variant.
Genome position (GRCh38, 1-based): chr17:61,781,007, T>C on the plus strand (A>G on the coding strand, the complement: BRIP1 is on the minus strand). VCF-style: chr17-61781007-T-C. GRCh37 (hg19) VCF-style: chr17-59858368-T-C.
Identifiers: ClinVar variation 1776747 (VCV001776747.3), dbSNP rs2145098172, ClinGen allele CA400480598.
Genomic context (GRCh38, chr17:61,781,007, plus strand): 5'-CAATCTGATTTGTCCAGGAGTAAGTCTGTTGAATCGCAATTTTATAATCATCTGCAAATC[T>C]AGATGCAAAGAAAGTGCTAATTAAGTGGCAAAACTTTTAAAACCTATGACCCAGCTACAT-3'

ClinVar aggregate classification (germline): Likely pathogenic. Review status: criteria provided, multiple submitters, no conflicts (2 of 4 stars). 2 submissions from 2 submitters: Likely pathogenic (2). Last evaluated 2026-06-23.

Conditions:
Hereditary cancer-predisposing syndrome. Also called: Neoplastic Syndromes, Hereditary; Tumor predisposition; Hereditary neoplastic syndrome; Hereditary Cancer Syndrome. Identifiers: Orphanet 140162, MedGen C0027672, MeSH D009386, MONDO:0015356.
Familial ovarian cancer. Identifiers: MedGen C5679802, MONDO:0016248.

Allele frequency attached by ClinVar (database versions not stated): gnomAD exomes below 0.00001.
gnomAD v4.1: 2 of 1,613,666 alleles (0.00012%); highest among the groups gnomAD compares: Non-Finnish European, 0.00017%; no homozygotes.

Submissions (2):

Myriad Genetics, Inc.
Classification: Likely pathogenic for Familial ovarian cancer. Last evaluated: 2026-06-23. Review status: criteria provided, single submitter. Criteria: Myriad Autosomal Dominant, Autosomal Recessive and X-Linked Classification Criteria (2023). Collection method: clinical testing. Allele origin: unknown.
Comment: This variant is considered likely pathogenic. This variant occurs within a consensus splice junction and is predicted to result in abnormal mRNA splicing of either an out-of-frame exon or an in-frame exon necessary for protein stability and/or normal function.

Ambry Genetics
Classification: Likely pathogenic for Hereditary cancer-predisposing syndrome. Last evaluated: 2021-06-10. Review status: criteria provided, single submitter. Criteria: Ambry Variant Classification Scheme 2023. Collection method: clinical testing. Allele origin: germline.
Comment: The c.1629-2A>G intronic variant results from an A to G substitution two nucleotides upstream from coding exon 11 in the BRIP1 gene. This nucleotide position is highly conserved in available vertebrate species. In silico splice site analysis predicts that this alteration will weaken the native splice acceptor site and will result in the creation or strengthening of a novel splice acceptor site; however, direct evidence is insufficient at this time (Ambry internal data). Alterations that disrupt the canonical splice site are expected to cause aberrant splicing, resulting in an abnormal protein or a transcript that is subject to nonsense-mediated mRNA decay. As such, this alteration is classified as likely pathogenic.